The following is an entry in ClinVar:

ClinVar aggregate classification (germline): Uncertain significance (1 of 4 stars; one submission).

Conditions:
Neuroblastoma, susceptibility to, 3. Also called: ALK-Related Neuroblastic Tumor Susceptibility. Identifiers: Orphanet 635, MedGen C2751681, MONDO:0013083, OMIM 613014.

Submission:

Labcorp Genetics (formerly Invitae), Labcorp
Classification: Uncertain significance for Neuroblastoma, susceptibility to, 3. Last evaluated: 2024-04-22. Review status: criteria provided, single submitter. Criteria: Invitae Variant Classification Sherloc (09022015). Collection method: clinical testing. Allele origin: germline.
Comment: This sequence change replaces glycine, which is neutral and non-polar, with glutamic acid, which is acidic and polar, at codon 776 of the ALK protein (p.Gly776Glu). This variant is not present in population databases (gnomAD no frequency). This variant has not been reported in the literature in individuals affected with ALK-related conditions. ClinVar contains an entry for this variant (Variation ID: 1022257). An algorithm developed to predict the effect of missense changes on protein structure and function (PolyPhen-2) suggests that this variant is likely to be disruptive. In summary, the available evidence is currently insufficient to determine the role of this variant in disease. Therefore, it has been classified as a Variant of Uncertain Significance.

NM_004304.5(ALK):c.2327G>A (p.Gly776Glu)

Gene: ALK (ALK receptor tyrosine kinase; minus strand). Cytogenetic location: 2p23.2.
Variant type: single nucleotide variant.
Coding change: c.2327G>A on transcript NM_004304.5 (MANE Select); coding-DNA position 2327, G replaced by A.
Protein change: p.Gly776Glu; replaces glycine 776 with glutamic acid.
Molecular consequence: missense variant.
Genome position (GRCh38, 1-based): chr2:29,239,708, C>T on the plus strand (G>A on the coding strand, the complement: ALK is on the minus strand). VCF-style: chr2-29239708-C-T. GRCh37 (hg19) VCF-style: chr2-29462574-C-T.
Other names: short protein forms G776E.
Identifiers: ClinVar variation 1022257 (VCV001022257.8), dbSNP rs1664472832, ClinGen allele CA346474287.